The following is an entry in ClinVar:

ClinVar aggregate classification (germline): Likely benign (0 of 4 stars; one submission).

Conditions:
ABCG8-related disorder. Also called: ABCG8-related condition.

Allele frequency attached by ClinVar (database versions not stated): TOPMed below 0.00001.

Submission:

PreventionGenetics, part of Exact Sciences
Classification: Likely benign for ABCG8-related condition. Last evaluated: 2023-03-17. Review status: no assertion criteria provided. Collection method: clinical testing. Allele origin: germline.
Comment: This variant is classified as likely benign based on ACMG/AMP sequence variant interpretation guidelines (Richards et al. 2015 PMID: 25741868, with internal and published modifications).

NM_022437.3(ABCG8):c.-5G>A

Genes: ABCG5 (ATP binding cassette subfamily G member 5; minus strand), ABCG8 (ATP binding cassette subfamily G member 8; plus strand). Cytogenetic location: 2p21.
Variant type: single nucleotide variant.
Coding change: c.-5G>A on transcript NM_022437.3 (MANE Select); 5 bases upstream of the start codon, G replaced by A.
Molecular consequence: 5 prime UTR variant.
Genome position (GRCh38, 1-based): chr2:43,839,049, G>A. VCF-style: chr2-43839049-G-A. GRCh37 (hg19) VCF-style: chr2-44066188-G-A.
Other names: c.-5G>A (NM_001357321.2).
Identifiers: ClinVar variation 3047747 (VCV003047747.2), dbSNP rs1668460775, ClinGen allele CA2493941266.